The following is an entry in ClinVar:

ClinVar aggregate classification (germline): Benign. Review status: criteria provided, multiple submitters, no conflicts (2 of 4 stars). 3 submissions from 3 submitters: Benign (2). 1 of the submissions does not count toward it. Last evaluated 2021-05-05.

Conditions:
UBTF-related disorder. Also called: UBTF-related condition.

Allele frequency attached by ClinVar (database versions not stated): gnomAD exomes 0.01323; ExAC 0.01638; gnomAD 0.05043 and 0.05374; ESP Exome Variant Server 0.05628; 1000 Genomes Project 0.05651; TOPMed 0.05696; 1000 Genomes Project 30x 0.06121.
gnomAD v4.1: 15,214 of 1,614,156 alleles (0.94%); highest among the groups gnomAD compares: African/African-American, 17%; 1,149 homozygotes.

Submissions (3):

GeneDx
Classification: Benign. Last evaluated: 2021-05-05. Review status: criteria provided, single submitter. Criteria: GeneDx Variant Classification Process June 2021. Collection method: clinical testing. Allele origin: germline. Affected: yes.

Breakthrough Genomics
Classification: Benign. Review status: criteria provided, single submitter. Criteria: ACMG Guidelines, 2015. Collection method: not provided. Allele origin: germline. Inheritance: Autosomal dominant inheritance. Affected: yes.

PreventionGenetics, part of Exact Sciences
Classification: Benign for UBTF-related condition. Last evaluated: 2019-07-01. Review status: no assertion criteria provided. Collection method: clinical testing. Allele origin: germline. Not counted in ClinVar's aggregate classification.
Comment: This variant is classified as benign based on ACMG/AMP sequence variant interpretation guidelines (Richards et al. 2015 PMID: 25741868, with internal and published modifications).

NM_014233.4(UBTF):c.1086C>T (p.Leu362=)

Genes: ATXN7L3-AS1 (ATXN7L3 antisense RNA 1; plus strand), UBTF (upstream binding transcription factor; minus strand). Cytogenetic location: 17q21.31.
Variant type: single nucleotide variant.
Coding change: c.1086C>T on transcript NM_014233.4 (MANE Select); coding-DNA position 1086, C replaced by T.
Protein change: p.Leu362=; no amino-acid change (leucine 362 retained).
Molecular consequence: synonymous variant. On other transcripts: non-coding transcript variant (1).
Genome position (GRCh38, 1-based): chr17:44,211,293, G>A on the plus strand (C>T on the coding strand, the complement: UBTF is on the minus strand). VCF-style: chr17-44211293-G-A. GRCh37 (hg19) VCF-style: chr17-42288661-G-A.
Other names: c.975C>T, p.Leu325= (NM_001076683.2, NM_001076684.3).
Identifiers: ClinVar variation 1268482 (VCV001268482.4), dbSNP rs2228196, ClinGen allele CA8599609.
Genomic context (GRCh38, chr17:44,211,293, plus strand): 5'-CTCTGCCTGCCAAGTCCCAGTCTTCTCTGCCCACTGCCCCACCGGAGGAACACTCACCTC[G>A]AGGAAACGGAGCAGCTCCACCTCGTAATCTTTCTTTTTCTGGGAAAGTGAGTGGAGTCAG-3'
Protein context (NP_055048.1, residues 352-372): KDYEVELLRF[Leu362=]ESLPEEEQQR